The following is an entry in ClinVar:

ClinVar aggregate classification (germline): Uncertain significance (1 of 4 stars; one submission).

Conditions:
Cardiovascular phenotype. Identifiers: MedGen CN230736.

Submission:

Ambry Genetics
Classification: Uncertain significance for Cardiovascular phenotype. Last evaluated: 2026-09-11. Review status: criteria provided, single submitter. Criteria: Ambry Variant Classification Scheme 2023. Collection method: clinical testing. Allele origin: germline.
Comment: The p.L4216F variant (also known as c.12646C>T), located in coding exon 29 of the APOB gene, results from a C to T substitution at nucleotide position 12646. The leucine at codon 4216 is replaced by phenylalanine, an amino acid with highly similar properties. This amino acid position is conserved. In addition, this alteration is predicted to be tolerated by in silico analysis. Based on the available evidence, the clinical significance of this variant remains unclear.

NM_000384.3(APOB):c.12646C>T (p.Leu4216Phe)

Gene: APOB (apolipoprotein B; minus strand). Cytogenetic location: 2p24.1.
Variant type: single nucleotide variant.
Coding change: c.12646C>T on transcript NM_000384.3 (MANE Select); coding-DNA position 12646, C replaced by T.
Protein change: p.Leu4216Phe; replaces leucine 4216 with phenylalanine.
Molecular consequence: missense variant.
Genome position (GRCh38, 1-based): chr2:21,002,776, G>A on the plus strand (C>T on the coding strand, the complement: APOB is on the minus strand). VCF-style: chr2-21002776-G-A. GRCh37 (hg19) VCF-style: chr2-21225648-G-A.
Other names: short protein forms L4216F.
Identifiers: ClinVar variation 4125858 (VCV004125858.2).